The following is an entry in ClinVar:

ClinVar aggregate classification (germline): Uncertain significance (1 of 4 stars; one submission).

Conditions:
Bethlem myopathy 1A. Also called: Bethlem myopathy 1; MYOPATHY, BENIGN CONGENITAL, WITH CONTRACTURES; Bethlem Muscular Dystrophy. Identifiers: Orphanet 610, MedGen CN029274, MONDO:0024530, OMIM 158810.

Submission:

Labcorp Genetics (formerly Invitae), Labcorp
Classification: Uncertain significance for Bethlem myopathy 1A. Last evaluated: 2024-10-05. Review status: criteria provided, single submitter. Criteria: Invitae Variant Classification Sherloc (09022015). Collection method: clinical testing. Allele origin: germline.
Comment: This sequence change replaces valine, which is neutral and non-polar, with leucine, which is neutral and non-polar, at codon 2952 of the COL6A3 protein (p.Val2952Leu). This variant is not present in population databases (gnomAD no frequency). This variant has not been reported in the literature in individuals affected with COL6A3-related conditions. Invitae Evidence Modeling of protein sequence and biophysical properties (such as structural, functional, and spatial information, amino acid conservation, physicochemical variation, residue mobility, and thermodynamic stability) indicates that this missense variant is not expected to disrupt COL6A3 protein function with a negative predictive value of 95%. In summary, the available evidence is currently insufficient to determine the role of this variant in disease. Therefore, it has been classified as a Variant of Uncertain Significance.

NM_004369.4(COL6A3):c.8854G>C (p.Val2952Leu)

Gene: COL6A3 (collagen type VI alpha 3 chain; minus strand). Cytogenetic location: 2q37.3.
Variant type: single nucleotide variant.
Coding change: c.8854G>C on transcript NM_004369.4 (MANE Select); coding-DNA position 8854, G replaced by C.
Protein change: p.Val2952Leu; replaces valine 2952 with leucine.
Molecular consequence: missense variant.
Genome position (GRCh38, 1-based): chr2:237,336,246, C>G on the plus strand (G>C on the coding strand, the complement: COL6A3 is on the minus strand). VCF-style: chr2-237336246-C-G. GRCh37 (hg19) VCF-style: chr2-238244889-C-G.
Other names: c.7033G>C, p.Val2345Leu (NM_057166.5); c.8236G>C, p.Val2746Leu (NM_057167.4); short protein forms V2746L, V2952L, V2345L.
Identifiers: ClinVar variation 3634140 (VCV003634140.2).
Genomic context (GRCh38, chr2:237,336,246, plus strand): 5'-GCCTAGGGACCTCAGGCTTGGTCGCCACTGGTTTTGCAGCAGCAGCAGCGGGGGGTCTTA[C>G]AGCTGCTGGCTTTGCTGCTACAGGCTTCGCTGCCGTTGCTGGCTTCACCGCCACTGGGGG-3'
Protein context (NP_004360.2, residues 2942-2962): AKPVAAKPAA[Val2952Leu]RPPAAAAAKP